The following is an entry in ClinVar:

ClinVar aggregate classification (germline): Uncertain significance (1 of 4 stars; one submission).

Submission:

Labcorp Genetics (formerly Invitae), Labcorp
Classification: Uncertain significance. Last evaluated: 2022-08-09. Review status: criteria provided, single submitter. Criteria: Invitae Variant Classification Sherloc (09022015). Collection method: clinical testing. Allele origin: germline.
Comment: In summary, the available evidence is currently insufficient to determine the role of this variant in disease. Therefore, it has been classified as a Variant of Uncertain Significance. Algorithms developed to predict the effect of missense changes on protein structure and function are either unavailable or do not agree on the potential impact of this missense change (SIFT: "Deleterious"; PolyPhen-2: "Probably Damaging"; Align-GVGD: "Class C0"). ClinVar contains an entry for this variant (Variation ID: 1680850). This variant has not been reported in the literature in individuals affected with EPRS-related conditions. This variant is not present in population databases (gnomAD no frequency). This sequence change replaces cysteine, which is neutral and slightly polar, with tyrosine, which is neutral and polar, at codon 1480 of the EPRS protein (p.Cys1480Tyr).

NM_004446.3(EPRS1):c.4439G>A (p.Cys1480Tyr)

Gene: EPRS1 (glutamyl-prolyl-tRNA synthetase 1; minus strand). Cytogenetic location: 1q41.
Variant type: single nucleotide variant.
Coding change: c.4439G>A on transcript NM_004446.3 (MANE Select); coding-DNA position 4439, G replaced by A.
Protein change: p.Cys1480Tyr; replaces cysteine 1480 with tyrosine.
Molecular consequence: missense variant.
Genome position (GRCh38, 1-based): chr1:219,968,906, C>T on the plus strand (G>A on the coding strand, the complement: EPRS1 is on the minus strand). VCF-style: chr1-219968906-C-T. GRCh37 (hg19) VCF-style: chr1-220142248-C-T.
Other names: short protein forms C1480Y.
Identifiers: ClinVar variation 1680850 (VCV001680850.6), dbSNP rs2102556381, ClinGen allele CA344622082.